The following is an entry in ClinVar:

NM_006073.4(TRDN):c.2146T>A (p.Ser716Thr)

Gene: TRDN (triadin; minus strand). Cytogenetic location: 6q22.31.
Variant type: single nucleotide variant.
Coding change: c.2146T>A on transcript NM_006073.4 (MANE Select); coding-DNA position 2146, T replaced by A.
Protein change: p.Ser716Thr; replaces serine 716 with threonine.
Molecular consequence: missense variant.
Genome position (GRCh38, 1-based): chr6:123,218,645, A>T on the plus strand (T>A on the coding strand, the complement: TRDN is on the minus strand). VCF-style: chr6-123218645-A-T. GRCh37 (hg19) VCF-style: chr6-123539790-A-T.
Other names: short protein forms S716T.
Identifiers: ClinVar variation 3766773 (VCV003766773.1).

ClinVar aggregate classification (germline): Uncertain significance (1 of 4 stars; one submission).

Conditions:
Catecholaminergic polymorphic ventricular tachycardia 5 (CARDAR). Also called: Ventricular tachycardia, catecholaminergic polymorphic, 5, with or without muscle weakness; CARDIAC ARRHYTHMIA SYNDROME, WITH OR WITHOUT SKELETAL MUSCLE WEAKNESS. Identifiers: Orphanet 3286, MedGen C3809536, MONDO:0014191, OMIM 615441.

Submission:

ARUP Laboratories, Molecular Genetics and Genomics, ARUP Laboratories
Classification: Uncertain significance for Catecholaminergic polymorphic ventricular tachycardia 5. Last evaluated: 2024-08-09. Review status: criteria provided, single submitter. Criteria: ARUP Molecular Germline Variant Investigation Process 2024. Collection method: clinical testing. Allele origin: germline.
Comment: The TRDN c.2146T>A; p.Ser716Thr variant (rs1775027466), to our knowledge, is not reported in the medical literature or gene specific databases. This variant is absent from the Genome Aggregation Database (v2.1.1), indicating it is not a common polymorphism. Computational analyses predict that this variant is neutral (REVEL: 0.011). Due to limited information, the clinical significance of this variant is uncertain at this time.